The following is an entry in ClinVar:

ClinVar aggregate classification (germline): Uncertain significance (1 of 4 stars; one submission).

Conditions:
Autosomal dominant nocturnal frontal lobe epilepsy 5. Also called: Epilepsy, nocturnal frontal lobe, 5; CILIARY DYSKINESIA, PRIMARY, 28, WITHOUT SITUS INVERSUS; CILIARY DYSKINESIA, PRIMARY, 28, WITH SITUS INVERSUS; KCNT1-Related Epilepsy. Identifiers: Orphanet 98784, MedGen C3554306, MONDO:0014002, OMIM 615005.
Developmental and epileptic encephalopathy, 14 (DEE14). Also called: Early infantile epileptic encephalopathy 14. Identifiers: Orphanet 293181, MedGen C3554195, MONDO:0013989, OMIM 614959.

Submission:

Labcorp Genetics (formerly Invitae), Labcorp
Classification: Uncertain significance for Autosomal dominant nocturnal frontal lobe epilepsy 5; Developmental and epileptic encephalopathy, 14. Last evaluated: 2023-10-03. Review status: criteria provided, single submitter. Criteria: Invitae Variant Classification Sherloc (09022015). Collection method: clinical testing. Allele origin: germline.
Comment: This sequence change replaces leucine, which is neutral and non-polar, with proline, which is neutral and non-polar, at codon 695 of the KCNT1 protein (p.Leu695Pro). This variant is not present in population databases (gnomAD no frequency). This variant has not been reported in the literature in individuals affected with KCNT1-related conditions. ClinVar contains an entry for this variant (Variation ID: 1985153). Advanced modeling of protein sequence and biophysical properties (such as structural, functional, and spatial information, amino acid conservation, physicochemical variation, residue mobility, and thermodynamic stability) performed at Invitae indicates that this missense variant is not expected to disrupt KCNT1 protein function. In summary, the available evidence is currently insufficient to determine the role of this variant in disease. Therefore, it has been classified as a Variant of Uncertain Significance.

NM_020822.3(KCNT1):c.2084T>C (p.Leu695Pro)

Gene: KCNT1 (potassium sodium-activated channel subfamily T member 1; plus strand). Cytogenetic location: 9q34.3.
Variant type: single nucleotide variant.
Coding change: c.2084T>C on transcript NM_020822.3 (MANE Select); coding-DNA position 2084, T replaced by C.
Protein change: p.Leu695Pro; replaces leucine 695 with proline.
Molecular consequence: missense variant.
Genome position (GRCh38, 1-based): chr9:135,772,790, T>C. VCF-style: chr9-135772790-T-C. GRCh37 (hg19) VCF-style: chr9-138664636-T-C.
Other names: c.1949T>C, p.Leu650Pro (NM_001272003.2); short protein forms L695P, L650P.
Identifiers: ClinVar variation 1985153 (VCV001985153.4), dbSNP rs2490987273, ClinGen allele CA375510333.